The following is an entry in ClinVar:

NM_000443.4(ABCB4):c.1130T>A (p.Ile377Asn)

Gene: ABCB4 (ATP binding cassette subfamily B member 4; minus strand). Cytogenetic location: 7q21.12.
Variant type: single nucleotide variant.
Coding change: c.1130T>A on transcript NM_000443.4 (MANE Select); coding-DNA position 1130, T replaced by A.
Protein change: p.Ile377Asn; replaces isoleucine 377 with asparagine.
Molecular consequence: missense variant.
Genome position (GRCh38, 1-based): chr7:87,443,763, A>T on the plus strand (T>A on the coding strand, the complement: ABCB4 is on the minus strand). VCF-style: chr7-87443763-A-T. GRCh37 (hg19) VCF-style: chr7-87073079-A-T.
Other names: c.1130T>A, p.Ile377Asn (NM_018849.3, NM_018850.3); short protein forms I377N.
Identifiers: ClinVar variation 4846502 (VCV004846502.1).

ClinVar aggregate classification (germline): Uncertain significance (1 of 4 stars; one submission).

Conditions:
Familial intrahepatic cholestasis. Identifiers: Orphanet 284385, MedGen CN296401, MONDO:0017290.

Submission:

Genomenon, Inc
Classification: Uncertain significance for Familial intrahepatic cholestasis. Last evaluated: 2026-04-14. Review status: criteria provided, single submitter. Criteria: Genomenon Sequence Variant Interpretation Standards - Updated. Collection method: curation. Allele origin: germline. Affected: yes.
Comment: ABCB4 p.Ile377Asn (c.1130T>A) is a missense variant that changes the amino acid at residue 377 from Isoleucine to Asparagine. This variant has been observed in at least one proband with an ABCB4-related disorder (PMID:36046230). It is absent or not present at a significant frequency in gnomAD. In silico models predict that this variant is possibly or probably damaging. In conclusion, we classify ABCB4 p.Ile377Asn (c.1130T>A) as a variant of uncertain significance.

Literature cited by the submitters: PubMed 36046230.